The following is an entry in ClinVar:

ClinVar aggregate classification (germline): Uncertain significance. Review status: criteria provided, multiple submitters, no conflicts (2 of 4 stars). 2 submissions from 2 submitters: Uncertain significance (2). Last evaluated 2024-10-04.

Conditions:
Hereditary nonpolyposis colorectal neoplasms. Identifiers: MedGen C0009405, MeSH D003123.
Hereditary cancer-predisposing syndrome. Also called: Tumor predisposition; Hereditary neoplastic syndrome; Hereditary Cancer Syndrome; Neoplastic Syndromes, Hereditary. Identifiers: Orphanet 140162, MedGen C0027672, MeSH D009386, MONDO:0015356.

Allele frequency attached by ClinVar (database versions not stated): gnomAD exomes below 0.00001; TOPMed below 0.00001.
gnomAD v4.1: 2 of 1,613,492 alleles (0.00012%); highest among the groups gnomAD compares: Non-Finnish European, 0.00017%; no homozygotes.

Submissions (2):

Ambry Genetics
Classification: Uncertain significance for Hereditary cancer-predisposing syndrome. Last evaluated: 2024-10-04. Review status: criteria provided, single submitter. Criteria: Ambry Variant Classification Scheme 2023. Collection method: clinical testing. Allele origin: germline.
Comment: The p.A182V variant (also known as c.545C>T), located in coding exon 6 of the PMS2 gene, results from a C to T substitution at nucleotide position 545. The alanine at codon 182 is replaced by valine, an amino acid with similar properties. This amino acid position is not well conserved in available vertebrate species. In addition, the in silico prediction for this alteration is inconclusive. Based on the available evidence, the clinical significance of this variant remains unclear.

Labcorp Genetics (formerly Invitae), Labcorp
Classification: Uncertain significance for Hereditary nonpolyposis colorectal neoplasms. Last evaluated: 2024-03-25. Review status: criteria provided, single submitter. Criteria: Invitae Variant Classification Sherloc (09022015). Collection method: clinical testing. Allele origin: germline.
Comment: This sequence change replaces alanine, which is neutral and non-polar, with valine, which is neutral and non-polar, at codon 182 of the PMS2 protein (p.Ala182Val). This variant is not present in population databases (gnomAD no frequency). This missense change has been observed in individual(s) with polyps and a family history of stomach and colorectal cancer (Invitae). ClinVar contains an entry for this variant (Variation ID: 1051099). Advanced modeling of protein sequence and biophysical properties (such as structural, functional, and spatial information, amino acid conservation, physicochemical variation, residue mobility, and thermodynamic stability) performed at Invitae indicates that this missense variant is expected to disrupt PMS2 protein function with a positive predictive value of 80%. In summary, the available evidence is currently insufficient to determine the role of this variant in disease. Therefore, it has been classified as a Variant of Uncertain Significance.

NM_000535.7(PMS2):c.545C>T (p.Ala182Val)

Gene: PMS2 (PMS1 homolog 2, mismatch repair system component; minus strand). Cytogenetic location: 7p22.1.
Variant type: single nucleotide variant.
Coding change: c.545C>T on transcript NM_000535.7 (MANE Select); coding-DNA position 545, C replaced by T.
Protein change: p.Ala182Val; replaces alanine 182 with valine.
Molecular consequence: missense variant. On other transcripts: non-coding transcript variant (1), intron variant (3).
Genome position (GRCh38, 1-based): chr7:5,999,268, G>A on the plus strand (C>T on the coding strand, the complement: PMS2 is on the minus strand). VCF-style: chr7-5999268-G-A. GRCh37 (hg19) VCF-style: chr7-6038899-G-A.
Other names: c.140C>T, p.Ala47Val (NM_001322003.2, NM_001322004.2, NM_001322005.2 and 2 more transcripts); c.545C>T, p.Ala182Val (NM_001322006.2, NM_001322014.2); c.227C>T, p.Ala76Val (NM_001322007.2, NM_001322008.2); c.236C>T, p.Ala79Val (NM_001322015.2); c.133-1845C>T (NM_001322013.2); c.-347-42C>T (NM_001322012.2, NM_001322011.2); short protein forms A182V, A47V, A76V, A79V.
Identifiers: ClinVar variation 1051099 (VCV001051099.12), dbSNP rs1562679272, ClinGen allele CA366744122.